The following is an entry in ClinVar:

NM_000051.4(ATM):c.2606_2607del (p.Ala869fs)

Gene: ATM (ATM serine/threonine kinase; plus strand). Cytogenetic location: 11q22.3.
Variant type: Deletion.
Coding change: c.2606_2607del on transcript NM_000051.4 (MANE Select); coding-DNA positions 2606 to 2607, 2 bases deleted (CA; older notation c.2606_2607delCA).
Protein change: p.Ala869fs; shifts the reading frame from alanine 869.
Molecular consequence: frameshift variant.
Genome position (GRCh38, 1-based): chr11:108,267,310-108,267,311, CA deleted. VCF-style (leftmost placement, unchanged base first): chr11-108267309-GCA-G. GRCh37 (hg19) VCF-style: chr11-108138036-GCA-G.
Other names: c.2606_2607del, p.Ala869fs (NM_001351834.2); c.2606_2607delCA (NM_000051.3); short protein forms A869fs.
Identifiers: ClinVar variation 371020 (VCV000371020.9), dbSNP rs1057516944, ClinGen allele CA16041394.
Genomic context (GRCh38, chr11:108,267,309, plus strand): 5'-GTGGAGGATCAGTCATCCATGAATCTATTTAACGATTACCCTGATAGTAGTGTTAGTGAT[GCA>G]AACGAACCTGGAGAGAGCCAAAGTACCATAGGTAAATACATATTTACTACTTGGGATTTC-3'

ClinVar aggregate classification (germline): Pathogenic. Review status: criteria provided, multiple submitters, no conflicts (2 of 4 stars). 3 submissions from 3 submitters: Pathogenic (2). 1 of the submissions does not count toward it. Last evaluated 2023-12-15.

Conditions:
Hereditary cancer-predisposing syndrome. Also called: Neoplastic Syndromes, Hereditary; Hereditary neoplastic syndrome; Hereditary Cancer Syndrome; Tumor predisposition. Identifiers: Orphanet 140162, MedGen C0027672, MeSH D009386, MONDO:0015356.
Ataxia-telangiectasia syndrome (AT). Also called: Ataxia-telangiectasia, complementation group D; Ataxia-telangiectasia, complementation group E; LOUIS-BAR SYNDROME; AT, COMPLEMENTATION GROUP C; ATAXIA-TELANGIECTASIA, COMPLEMENTATION GROUP A; ATAXIA-TELANGIECTASIA, FRESNO VARIANT. Identifiers: Orphanet 100, MedGen C0004135, MONDO:0008840, OMIM 208900.

Submissions (3):

Labcorp Genetics (formerly Invitae), Labcorp
Classification: Pathogenic for Ataxia-telangiectasia syndrome. Last evaluated: 2023-12-15. Review status: criteria provided, single submitter. Criteria: Invitae Variant Classification Sherloc (09022015). Collection method: clinical testing. Allele origin: germline.
Comment: This sequence change creates a premature translational stop signal (p.Ala869Glufs*14) in the ATM gene. It is expected to result in an absent or disrupted protein product. Loss-of-function variants in ATM are known to be pathogenic (PMID: 23807571, 25614872). This variant is not present in population databases (gnomAD no frequency). This variant has not been reported in the literature in individuals affected with ATM-related conditions. ClinVar contains an entry for this variant (Variation ID: 371020). For these reasons, this variant has been classified as Pathogenic.

Color Diagnostics, LLC DBA Color Health
Classification: Pathogenic for Hereditary cancer-predisposing syndrome. Last evaluated: 2020-05-13. Review status: criteria provided, single submitter. Criteria: ACMG Guidelines, 2015. Collection method: clinical testing. Allele origin: germline.
Comment: This variant deletes 2 nucleotides in exon 17 of the ATM gene, creating a frameshift and premature translation stop signal. This variant is expected to result in an absent or non-functional protein product. To our knowledge, this variant has not been reported in individuals affected with hereditary cancer in the literature. This variant has not been identified in the general population by the Genome Aggregation Database (gnomAD). Loss of ATM function is a known mechanism of disease. Based on the available evidence, this variant is classified as Pathogenic.

Counsyl
Classification: Likely pathogenic for Ataxia-telangiectasia syndrome. Last evaluated: 2016-06-07. Review status: no assertion criteria provided. Collection method: clinical testing. Allele origin: unknown. Not counted in ClinVar's aggregate classification.

Literature cited by the submitters: PubMed 23807571 (cited by Labcorp Genetics (formerly Invitae), Labcorp); PubMed 25614872 (cited by Labcorp Genetics (formerly Invitae), Labcorp).